The following is an entry in ClinVar:

ClinVar aggregate classification (germline): Uncertain significance. Review status: criteria provided, multiple submitters, no conflicts (2 of 4 stars). 2 submissions from 2 submitters: Uncertain significance (2). Last evaluated 2021-07-21.

Conditions:
Microcephaly-intellectual disability-sensorineural hearing loss-epilepsy-abnormal muscle tone syndrome (NEDHSB). Also called: NEURODEVELOPMENTAL DISORDER WITH HEARING LOSS, SEIZURES, AND BRAIN ABNORMALITIES. Identifiers: Orphanet 457351, MedGen C4225276, MONDO:0014698, OMIM 616577.

Allele frequency attached by ClinVar (database versions not stated): gnomAD exomes below 0.00001.
gnomAD v4.1: 2 of 1,613,876 alleles (0.00012%); highest among the groups gnomAD compares: Non-Finnish European, 0.000085%; no homozygotes.

Submissions (2):

Labcorp Genetics (formerly Invitae), Labcorp
Classification: Uncertain significance for Microcephaly-intellectual disability-sensorineural hearing loss-epilepsy-abnormal muscle tone syndrome. Last evaluated: 2021-07-21. Review status: criteria provided, single submitter. Criteria: Invitae Variant Classification Sherloc (09022015). Collection method: clinical testing. Allele origin: germline.
Comment: In summary, the available evidence is currently insufficient to determine the role of this variant in disease. Therefore, it has been classified as a Variant of Uncertain Significance. Algorithms developed to predict the effect of missense changes on protein structure and function are either unavailable or do not agree on the potential impact of this missense change (SIFT: "Deleterious"; PolyPhen-2: "Benign"; Align-GVGD: "Class C0"). This variant has not been reported in the literature in individuals affected with SPATA5-related conditions. This variant is not present in population databases (ExAC no frequency). This sequence change replaces glutamic acid with lysine at codon 53 of the SPATA5 protein (p.Glu53Lys). The glutamic acid residue is moderately conserved and there is a small physicochemical difference between glutamic acid and lysine.

Blueprint Genetics
Classification: Uncertain significance. Last evaluated: 2021-03-01. Review status: criteria provided, single submitter. Criteria: ACMG Guidelines, 2015. Collection method: clinical testing. Allele origin: germline.

NM_145207.3(AFG2A):c.157G>A (p.Glu53Lys)

Gene: AFG2A (AAA ATPase AFG2A; plus strand). Cytogenetic location: 4q28.1.
Variant type: single nucleotide variant.
Coding change: c.157G>A on transcript NM_145207.3 (MANE Select); coding-DNA position 157, G replaced by A.
Protein change: p.Glu53Lys; replaces glutamic acid 53 with lysine.
Molecular consequence: missense variant.
Genome position (GRCh38, 1-based): chr4:122,923,299, G>A. VCF-style: chr4-122923299-G-A. GRCh37 (hg19) VCF-style: chr4-123844454-G-A.
Other names: c.157G>A, p.Glu53Lys (NM_001317799.2, NM_001345856.2); short protein forms E53K.
Identifiers: ClinVar variation 1436667 (VCV001436667.8), dbSNP rs2125714239, ClinGen allele CA358097525.